The following is an entry in ClinVar:

NM_000303.3(PMM2):c.*26C>T

Gene: PMM2 (phosphomannomutase 2; plus strand). Cytogenetic location: 16p13.2.
Variant type: single nucleotide variant.
Coding change: c.*26C>T on transcript NM_000303.3 (MANE Select); 26 bases downstream of the stop codon, C replaced by T.
Molecular consequence: 3 prime UTR variant.
Genome position (GRCh38, 1-based): chr16:8,847,851, C>T. VCF-style: chr16-8847851-C-T. GRCh37 (hg19) VCF-style: chr16-8941708-C-T.
Identifiers: ClinVar variation 321224 (VCV000321224.8), dbSNP rs138528126, ClinGen allele CA7894235.

ClinVar aggregate classification (germline): Conflicting classifications of pathogenicity. Review status: criteria provided, conflicting classifications (1 of 4 stars). 4 submissions from 4 submitters: Uncertain significance (3); Likely benign (1). Last evaluated 2025-07-19.

Conditions:
PMM2-congenital disorder of glycosylation. Also called: CDG Ia; JAEKEN SYNDROME; PHOSPHOMANNOMUTASE 2 DEFICIENCY; Congenital disorder of glycosylation, type Ia; CARBOHYDRATE-DEFICIENT GLYCOPROTEIN SYNDROME, TYPE Ia; PMM2-CDG. Identifiers: Orphanet 79318, MedGen C0349653, MONDO:0008907, OMIM 212065.

Allele frequency attached by ClinVar (database versions not stated): gnomAD 0.00005 and 0.00007; TOPMed 0.00005; ExAC 0.00007; gnomAD exomes 0.00008; 1000 Genomes Project 30x 0.00016; 1000 Genomes Project 0.00020.
gnomAD v4.1: 104 of 1,565,722 alleles (0.0066%); highest among the groups gnomAD compares: South Asian, 0.037%; no homozygotes.

Submissions (4):

GeneDx
Classification: Uncertain significance. Last evaluated: 2025-07-19. Review status: criteria provided, single submitter. Criteria: GeneDx Variant Classification Process June 2021. Collection method: clinical testing. Allele origin: germline. Affected: yes.
Comment: Nucleotide is not conserved across species and the substitution has no predicted effect on splicing; Located in a regulatory region; in the absence of functional studies, the actual effect of this sequence change is unknown; Has not been previously reported in association with PMM2-related congenital disorder of glycosylation; it has been observed in the heterozygous state in one individual from a cohort of patient with fetal alcohol snydrome in a study of variants in genes involved in glycosylation (PMID: 28820871); This variant is associated with the following publications: (PMID: 28820871)

Fulgent Genetics
Classification: Likely benign for PMM2-congenital disorder of glycosylation. Last evaluated: 2024-01-24. Review status: criteria provided, single submitter. Criteria: ACMG Guidelines, 2015. Collection method: clinical testing. Allele origin: germline.

Labcorp Genetics (formerly Invitae), Labcorp
Classification: Uncertain significance for PMM2-congenital disorder of glycosylation. Last evaluated: 2020-08-05. Review status: criteria provided, single submitter. Criteria: Invitae Variant Classification Sherloc (09022015). Collection method: clinical testing. Allele origin: germline.
Comment: This variant occurs in a non-coding region of the PMM2 gene. It does not change the encoded amino acid sequence of the PMM2 protein. This variant is present in population databases (rs138528126, ExAC 0.02%). This variant has been observed in an individual affected with fetal alcohol syndrome who also had 22q11.2 deletion syndrome (PMID:¬†28820871). ClinVar contains an entry for this variant (Variation ID: 321224). Experimental studies and prediction algorithms are not available for this variant, and the functional significance of this non-coding change is currently unknown. In summary, the available evidence is currently insufficient to determine the role of this variant in disease. Therefore, it has been classified as a Variant of Uncertain Significance.

Illumina Laboratory Services, Illumina
Classification: Uncertain significance for PMM2-congenital disorder of glycosylation. Last evaluated: 2018-01-12. Review status: criteria provided, single submitter. Criteria: ICSL Variant Classification Criteria 13 December 2019. Collection method: clinical testing. Allele origin: germline.